The following is an entry in ClinVar:

ClinVar aggregate classification (germline): Uncertain significance (1 of 4 stars; one submission).

Conditions:
Cardiovascular phenotype. Identifiers: MedGen CN230736.

Allele frequency attached by ClinVar (database versions not stated): ExAC 0.00002.
gnomAD v4.1: 4 of 1,614,158 alleles (0.00025%); highest among the groups gnomAD compares: East Asian, 0.0022%; no homozygotes.

Submission:

Ambry Genetics
Classification: Uncertain significance for Cardiovascular phenotype. Last evaluated: 2024-01-24. Review status: criteria provided, single submitter. Criteria: Ambry Variant Classification Scheme 2023. Collection method: clinical testing. Allele origin: germline.
Comment: The p.D1802G variant (also known as c.5405A>G), located in coding exon 27 of the SCN10A gene, results from an A to G substitution at nucleotide position 5405. The aspartic acid at codon 1802 is replaced by glycine, an amino acid with similar properties. This amino acid position is highly conserved in available vertebrate species. In addition, this alteration is predicted to be deleterious by in silico analysis. The evidence for this gene-disease relationship is limited; therefore, the clinical significance of this alteration is unclear.

NM_006514.4(SCN10A):c.5405A>G (p.Asp1802Gly)

Gene: SCN10A (sodium voltage-gated channel alpha subunit 10; minus strand). Cytogenetic location: 3p22.2.
Variant type: single nucleotide variant.
Coding change: c.5405A>G on transcript NM_006514.4 (MANE Select); coding-DNA position 5405, A replaced by G.
Protein change: p.Asp1802Gly; replaces aspartic acid 1802 with glycine.
Molecular consequence: missense variant.
Genome position (GRCh38, 1-based): chr3:38,697,815, T>C on the plus strand (A>G on the coding strand, the complement: SCN10A is on the minus strand). VCF-style: chr3-38697815-T-C. GRCh37 (hg19) VCF-style: chr3-38739306-T-C.
Other names: c.5402A>G, p.Asp1801Gly (NM_001293306.2); c.5111A>G, p.Asp1704Gly (NM_001293307.2); short protein forms D1704G, D1801G, D1802G.
Identifiers: ClinVar variation 3225684 (VCV003225684.1), dbSNP rs773579566, ClinGen allele CA2319676.